The following is an entry in ClinVar:

ClinVar aggregate classification (germline): Uncertain significance (1 of 4 stars; one submission).

Submission:

Labcorp Genetics (formerly Invitae), Labcorp
Classification: Uncertain significance. Last evaluated: 2020-08-20. Review status: criteria provided, single submitter. Criteria: Invitae Variant Classification Sherloc (09022015). Collection method: clinical testing. Allele origin: germline.
Comment: In summary, the available evidence is currently insufficient to determine the role of this variant in disease. Therefore, it has been classified as a Variant of Uncertain Significance. Nucleotide substitutions within the consensus splice site are a relatively common cause of aberrant splicing (PMID: 17576681, 9536098). Algorithms developed to predict the effect of sequence changes on RNA splicing suggest that this variant may disrupt the consensus splice site, but this prediction has not been confirmed by published transcriptional studies. Algorithms developed to predict the effect of missense changes on protein structure and function are either unavailable or do not agree on the potential impact of this missense change (SIFT: "Deleterious"; PolyPhen-2: "Probably Damaging"; Align-GVGD: "Class C15"). This variant has not been reported in the literature in individuals with DLL3-related conditions. This variant is not present in population databases (ExAC no frequency). This sequence change replaces glycine with tryptophan at codon 137 of the DLL3 protein (p.Gly137Trp). The glycine residue is highly conserved and there is a large physicochemical difference between glycine and tryptophan. This variant also falls at the last nucleotide of exon 3 of the DLL3 coding sequence, which is part of the consensus splice site for this exon.

Literature cited by the submitters: PubMed 17576681; PubMed 9536098.

NM_203486.3(DLL3):c.409G>T (p.Gly137Trp)

Gene: DLL3 (delta like canonical Notch ligand 3; plus strand). Cytogenetic location: 19q13.2.
Variant type: single nucleotide variant.
Coding change: c.409G>T on transcript NM_203486.3 (MANE Select); coding-DNA position 409, G replaced by T.
Protein change: p.Gly137Trp; replaces glycine 137 with tryptophan.
Molecular consequence: missense variant.
Genome position (GRCh38, 1-based): chr19:39,500,672, G>T. VCF-style: chr19-39500672-G-T. GRCh37 (hg19) VCF-style: chr19-39991312-G-T.
Other names: c.409G>T, p.Gly137Trp (NM_016941.4); short protein forms G137W.
Identifiers: ClinVar variation 1053963 (VCV001053963.9), dbSNP rs745793784, ClinGen allele CA405794543.
Genomic context (GRCh38, chr19:39,500,672, plus strand): 5'-CAGGGCACCTTCTCTTTCATCATCGAAACCTGGAGAGAGGAGTTAGGAGACCAGATTGGA[G>T]GTGAGTGTCTTCAGTCTTGGGACTGGTGGGGAGCTGGGGCCCACGTGAGACACGGGGTTG-3'
Protein context (NP_982353.1, residues 127-147): WREELGDQIG[Gly137Trp]PAWSLLARVA